The following is an entry in ClinVar:

NM_001161352.2(KCNMA1):c.1088C>T (p.Thr363Ile)

Gene: KCNMA1 (potassium calcium-activated channel subfamily M alpha 1; minus strand). Cytogenetic location: 10q22.3.
Variant type: single nucleotide variant.
Coding change: c.1088C>T on transcript NM_001161352.2 (MANE Select); coding-DNA position 1088, C replaced by T.
Protein change: p.Thr363Ile; replaces threonine 363 with isoleucine.
Molecular consequence: missense variant.
Genome position (GRCh38, 1-based): chr10:77,110,216, G>A on the plus strand (C>T on the coding strand, the complement: KCNMA1 is on the minus strand). VCF-style: chr10-77110216-G-A. GRCh37 (hg19) VCF-style: chr10-78869974-G-A.
Other names: c.1088C>T, p.Thr363Ile (NM_001014797.3, NM_001161353.2, NM_001271519.2 and 8 more transcripts); c.926C>T, p.Thr309Ile (NM_001271518.2); c.548C>T, p.Thr183Ile (NM_001322838.2); short protein forms T183I, T309I, T363I.
Identifiers: ClinVar variation 2431016 (VCV002431016.1), dbSNP rs2551147153, ClinGen allele CA377409079.

ClinVar aggregate classification (germline): Uncertain significance (1 of 4 stars; one submission).

Submission:

GeneDx
Classification: Uncertain significance. Last evaluated: 2022-08-07. Review status: criteria provided, single submitter. Criteria: GeneDx Variant Classification Process June 2021. Collection method: clinical testing. Allele origin: germline. Affected: yes.
Comment: Not observed at significant frequency in large population cohorts (gnomAD); In silico analysis supports that this missense variant does not alter protein structure/function; Has not been previously published as pathogenic or benign to our knowledge